The following is an entry in ClinVar:

NM_177939.3(P4HTM):c.762T>G (p.Leu254=)

Gene: P4HTM (prolyl 4-hydroxylase, transmembrane; plus strand). Cytogenetic location: 3p21.31.
Variant type: single nucleotide variant.
Coding change: c.762T>G on transcript NM_177939.3 (MANE Select); coding-DNA position 762, T replaced by G.
Protein change: p.Leu254=; no amino-acid change (leucine 254 retained).
Molecular consequence: synonymous variant.
Genome position (GRCh38, 1-based): chr3:49,004,135, T>G. VCF-style: chr3-49004135-T-G. GRCh37 (hg19) VCF-style: chr3-49041568-T-G.
Other names: c.762T>G, p.Leu254= (NM_177938.2).
Identifiers: ClinVar variation 4985024 (VCV004985024.1).

ClinVar aggregate classification (germline): Likely benign (1 of 4 stars; one submission).

Conditions:
P4HTM-related disorder. Also called: P4HTM-related condition.

gnomAD v4.1: 17 of 1,554,566 alleles (0.0011%); highest among the groups gnomAD compares: African/African-American, 0.012%; no homozygotes.

Submission:

PreventionGenetics, part of Exact Sciences
Classification: Likely benign for P4HTM-related condition. Last evaluated: 2024-11-25. Review status: criteria provided, single submitter. Criteria: ACMG Guidelines, 2015. Collection method: clinical testing. Allele origin: germline.
Comment: This variant is classified as likely benign based on ACMG/AMP sequence variant interpretation guidelines (Richards et al. 2015 PMID: 25741868, with internal and published modifications).